The following is an entry in ClinVar:

ClinVar aggregate classification (germline): Likely pathogenic (1 of 4 stars; one submission).

Conditions:
Familial focal epilepsy with variable foci (FPEVF). Identifiers: Orphanet 98820, MedGen C1858477, MONDO:0020310.

Submission:

Labcorp Genetics (formerly Invitae), Labcorp
Classification: Likely pathogenic for Familial focal epilepsy with variable foci. Last evaluated: 2022-08-16. Review status: criteria provided, single submitter. Criteria: Invitae Variant Classification Sherloc (09022015). Collection method: clinical testing. Allele origin: germline.
Comment: In summary, the currently available evidence indicates that the variant is pathogenic, but additional data are needed to prove that conclusively. Therefore, this variant has been classified as Likely Pathogenic. This variant has not been reported in the literature in individuals affected with DEPDC5-related conditions. This variant results in the deletion of exon 25 and part of exon 26 (c.2105-3485_2349del) of the DEPDC5 gene. It is expected to disrupt RNA splicing. Variants that disrupt the donor or acceptor splice site typically lead to a loss of protein function (PMID: 16199547), and loss-of-function variants in DEPDC5 are known to be pathogenic (PMID: 23542697, 23542701).

Literature cited by the submitters: PubMed 16199547; PubMed 23542697; PubMed 23542701.

NC_000022.10:g.(?_32226416)_(32233136_?)del

Gene: DEPDC5 (DEP domain containing 5, GATOR1 subcomplex subunit; plus strand). Cytogenetic location: 22q12.3.
Variant type: Deletion.
Identifiers: ClinVar variation 2424003 (VCV002424003.4).